The following is an entry in ClinVar:

ClinVar aggregate classification (germline): Benign (1 of 4 stars; one submission).

Conditions:
Hereditary pheochromocytoma and paraganglioma. Also called: Hereditary Paraganglioma-Pheochromocytoma Syndromes; Hereditary paragangliomas and pheochromocytomas; Hereditary pheochromocytoma-paraganglioma. Identifiers: Orphanet 29072, MedGen C4274332, MONDO:0017366.

Allele frequency attached by ClinVar (database versions not stated): gnomAD exomes 0.00284; gnomAD 0.02192 and 0.02360; 1000 Genomes Project 0.02276; TOPMed 0.02437; 1000 Genomes Project 30x 0.02452.
gnomAD v4.1: 4,480 of 541,306 alleles (0.83%); highest among the groups gnomAD compares: African/African-American, 7.7%; 178 homozygotes.

Submission:

Illumina Laboratory Services, Illumina
Classification: Benign for Hereditary Paraganglioma-Pheochromocytoma Syndromes. Last evaluated: 2018-01-12. Review status: criteria provided, single submitter. Criteria: ICSL Variant Classification Criteria 13 December 2019. Collection method: clinical testing. Allele origin: germline.
Comment: This variant was observed in the ICSL laboratory as part of a predisposition screen in an ostensibly healthy population. It had not been previously curated by ICSL or reported in the Human Gene Mutation Database (HGMD: prior to June 1st, 2018), and was therefore a candidate for classification through an automated scoring system. Utilizing variant allele frequency, disease prevalence and penetrance estimates, and inheritance mode, an automated score was calculated to assess if this variant is too frequent to cause the disease. Based on the score and internal cut-off values, a variant classified as benign is not then subjected to further curation. The score for this variant resulted in a classification of benign for this disease.

NM_017841.4(SDHAF2):c.*378G>A

Gene: SDHAF2 (succinate dehydrogenase complex assembly factor 2; plus strand). Cytogenetic location: 11q12.2.
Variant type: single nucleotide variant.
Coding change: c.*378G>A on transcript NM_017841.4 (MANE Select); 378 bases downstream of the stop codon, G replaced by A.
Molecular consequence: 3 prime UTR variant.
Genome position (GRCh38, 1-based): chr11:61,446,449, G>A. VCF-style: chr11-61446449-G-A. GRCh37 (hg19) VCF-style: chr11-61213921-G-A.
Identifiers: ClinVar variation 305101 (VCV000305101.5), dbSNP rs7935377, ClinGen allele CA10631075.